The following is an entry in ClinVar:

NM_054027.6(ANKH):c.1272C>T (p.His424=)

Genes: ANKH (ANKH inorganic pyrophosphate transport regulator; minus strand), OTULIN (OTU deubiquitinase with linear linkage specificity; plus strand), LOC100130744 (uncharacterized LOC100130744; plus strand). Cytogenetic location: 5p15.2.
Variant type: single nucleotide variant.
Coding change: c.1272C>T on transcript NM_054027.6 (MANE Select); coding-DNA position 1272, C replaced by T.
Protein change: p.His424=; no amino-acid change (histidine 424 retained).
Molecular consequence: synonymous variant. On other transcripts: non-coding transcript variant (1).
Genome position (GRCh38, 1-based): chr5:14,712,967, G>A on the plus strand (C>T on the coding strand, the complement: ANKH is on the minus strand). VCF-style: chr5-14712967-G-A. GRCh37 (hg19) VCF-style: chr5-14713076-G-A.
Identifiers: ClinVar variation 351502 (VCV000351502.17), dbSNP rs201295416, ClinGen allele CA3208858.
Genomic context (GRCh38, chr5:14,712,967, plus strand): 5'-GACCATGGTGGATTCTCCCACAAAGCCCGCCAGGAGGGAGCCCACGCCCAGGGTCGCACC[G>A]TGCACCCTGCAGATGAGAACACAAAGGCAATTTGTCTGTTAAGGCCAAGTCAAGGCACAA-3'
Protein context (NP_473368.1, residues 414-434): SLVVLPYLGV[His424=]GATLGVGSLL

ClinVar aggregate classification (germline): Benign/Likely benign. Review status: criteria provided, multiple submitters, no conflicts (2 of 4 stars). 6 submissions from 5 submitters: Benign (4); Likely benign (1). 1 of the submissions does not count toward it. Last evaluated 2025-11-11.

Conditions:
Chondrocalcinosis 2. Also called: CALCIUM GOUT; CALCIUM PYROPHOSPHATE ARTHROPATHY; Familial calcium pyrophosphate deposition. Identifiers: Orphanet 1416, MedGen C0856830, MONDO:0007319, OMIM 118600.
Craniometaphyseal dysplasia, autosomal dominant (CMDD). Identifiers: Orphanet 1522, MedGen C1852502, MONDO:0007397, OMIM 123000.
ANKH-related disorder. Also called: ANKH-related condition; ANKH-Related Disorders.

Allele frequency attached by ClinVar (database versions not stated): gnomAD 0.00004 and 0.00010; TOPMed 0.00007; gnomAD exomes 0.00014 and 0.00029; 1000 Genomes Project 30x 0.00016; 1000 Genomes Project 0.00020; ExAC 0.00038.
gnomAD v4.1: 230 of 1,612,706 alleles (0.014%); highest among the groups gnomAD compares: South Asian, 0.18%; 3 homozygotes.

Submissions (6):

Labcorp Genetics (formerly Invitae), Labcorp
Classification: Benign. Last evaluated: 2025-11-11. Review status: criteria provided, single submitter. Criteria: Invitae Variant Classification Sherloc (09022015). Collection method: clinical testing. Allele origin: germline.

Blueprint Genetics
Classification: Likely benign. Last evaluated: 2024-09-02. Review status: criteria provided, single submitter. Criteria: ACMG Guidelines, 2015. Collection method: clinical testing. Allele origin: germline.

Genome-Nilou Lab
Classification: Benign for Craniometaphyseal dysplasia, autosomal dominant. Last evaluated: 2021-12-05. Review status: criteria provided, single submitter. Criteria: ACMG Guidelines, 2015. Collection method: clinical testing. Allele origin: germline. Affected: no.

Illumina Laboratory Services, Illumina
Classification: Benign for Craniometaphyseal dysplasia, autosomal dominant. Last evaluated: 2018-01-12. Review status: criteria provided, single submitter. Criteria: ICSL Variant Classification Criteria 13 December 2019. Collection method: clinical testing. Allele origin: germline.
Comment: This variant was observed in the ICSL laboratory as part of a predisposition screen in an ostensibly healthy population. It had not been previously curated by ICSL or reported in the Human Gene Mutation Database (HGMD: prior to June 1st, 2018), and was therefore a candidate for classification through an automated scoring system. Utilizing variant allele frequency, disease prevalence and penetrance estimates, and inheritance mode, an automated score was calculated to assess if this variant is too frequent to cause the disease. Based on the score and internal cut-off values, a variant classified as benign is not then subjected to further curation. The score for this variant resulted in a classification of benign for this disease.

Illumina Laboratory Services, Illumina
Classification: Benign for Chondrocalcinosis 2. Last evaluated: 2018-01-12. Review status: criteria provided, single submitter. Criteria: ICSL Variant Classification Criteria 13 December 2019. Collection method: clinical testing. Allele origin: germline.
Comment: the same text as in the submission from Illumina Laboratory Services, Illumina above.

PreventionGenetics, part of Exact Sciences
Classification: Likely benign for ANKH-related condition. Last evaluated: 2024-02-22. Review status: no assertion criteria provided. Collection method: clinical testing. Allele origin: germline. Not counted in ClinVar's aggregate classification.
Comment: This variant is classified as likely benign based on ACMG/AMP sequence variant interpretation guidelines (Richards et al. 2015 PMID: 25741868, with internal and published modifications).